The following is an entry in ClinVar:

NM_020831.6(MRTFA):c.2311G>T (p.Val771Leu)

Gene: MRTFA (myocardin related transcription factor A; minus strand). Cytogenetic location: 22q13.1.
Variant type: single nucleotide variant.
Coding change: c.2311G>T on transcript NM_020831.6 (MANE Select); coding-DNA position 2311, G replaced by T.
Protein change: p.Val771Leu; replaces valine 771 with leucine.
Molecular consequence: missense variant.
Genome position (GRCh38, 1-based): chr22:40,418,427, C>A on the plus strand (G>T on the coding strand, the complement: MRTFA is on the minus strand). VCF-style: chr22-40418427-C-A. GRCh37 (hg19) VCF-style: chr22-40814431-C-A.
Other names: c.2011G>T, p.Val671Leu (NM_001282660.2); c.2161G>T, p.Val721Leu (NM_001282661.3); c.2311G>T, p.Val771Leu (NM_001282662.3); c.2116G>T, p.Val706Leu (NM_001318139.2); short protein forms V671L, V706L, V721L, V771L.
Identifiers: ClinVar variation 1682969 (VCV001682969.8), dbSNP rs201944805, ClinGen allele CA411657264.

ClinVar aggregate classification (germline): Uncertain significance (1 of 4 stars; one submission).

Submission:

Labcorp Genetics (formerly Invitae), Labcorp
Classification: Uncertain significance. Last evaluated: 2022-08-15. Review status: criteria provided, single submitter. Criteria: Invitae Variant Classification Sherloc (09022015). Collection method: clinical testing. Allele origin: germline.
Comment: In summary, the available evidence is currently insufficient to determine the role of this variant in disease. Therefore, it has been classified as a Variant of Uncertain Significance. Algorithms developed to predict the effect of missense changes on protein structure and function (SIFT, PolyPhen-2, Align-GVGD) all suggest that this variant is likely to be tolerated. ClinVar contains an entry for this variant (Variation ID: 1682969). This variant has not been reported in the literature in individuals affected with MKL1-related conditions. This variant is not present in population databases (gnomAD no frequency). This sequence change replaces valine, which is neutral and non-polar, with leucine, which is neutral and non-polar, at codon 671 of the MKL1 protein (p.Val671Leu).